The following is an entry in ClinVar:

ClinVar aggregate classification (germline): Uncertain significance (1 of 4 stars; one submission).

Conditions:
Cardiomyopathy (CMYO). Also called: Cardiomyopathies. Identifiers: Orphanet 167848, MedGen C0878544, MONDO:0004994, HP:0001638. Inheritance: Various modes of inheritance.

gnomAD v4.1: 1 of 1,574,676 alleles (0.000064%); highest among the groups gnomAD compares: Admixed American, 0.0018%; no homozygotes.

Submission:

Color Diagnostics, LLC DBA Color Health
Classification: Uncertain significance for Cardiomyopathy. Last evaluated: 2024-04-15. Review status: criteria provided, single submitter. Criteria: ACMG Guidelines, 2015. Collection method: clinical testing. Allele origin: germline.
Comment: This missense variant replaces isoleucine with valine at codon 995 of the MYBPC3 protein. Computational prediction suggests that this variant may not impact protein structure and function (internally defined REVEL score threshold <= 0.5, PMID: 27666373). To our knowledge, functional studies have not been reported for this variant. This variant has not been reported in individuals affected with MYBPC3-related disorders in the literature. This variant has not been identified in the general population by the Genome Aggregation Database (gnomAD). The available evidence is insufficient to determine the role of this variant in disease conclusively. Therefore, this variant is classified as a Variant of Uncertain Significance.

NM_000256.3(MYBPC3):c.2983A>G (p.Ile995Val)

Gene: MYBPC3 (myosin binding protein C3; minus strand). Cytogenetic location: 11p11.2.
Variant type: single nucleotide variant.
Coding change: c.2983A>G on transcript NM_000256.3 (MANE Select); coding-DNA position 2983, A replaced by G.
Protein change: p.Ile995Val; replaces isoleucine 995 with valine.
Molecular consequence: missense variant.
Genome position (GRCh38, 1-based): chr11:47,333,933, T>C on the plus strand (A>G on the coding strand, the complement: MYBPC3 is on the minus strand). VCF-style: chr11-47333933-T-C. GRCh37 (hg19) VCF-style: chr11-47355484-T-C.
Other names: short protein forms I995V.
Identifiers: ClinVar variation 3893735 (VCV003893735.1).